The following is an entry in ClinVar:

NM_001291867.2(NHS):c.3659dup (p.Asn1220fs)

Gene: NHS (NHS actin remodeling regulator; plus strand). Cytogenetic location: Xp22.13.
Variant type: Duplication.
Coding change: c.3659dup on transcript NM_001291867.2 (MANE Select); coding-DNA position 3659, one base duplicated (A; older notation c.3659dupA).
Protein change: p.Asn1220fs; shifts the reading frame from asparagine 1220.
Molecular consequence: frameshift variant.
Genome position (GRCh38, 1-based): chrX:17,727,765, A duplicated; the last of 7 consecutive A bases (chrX:17,727,759-17,727,765); duplicating any one gives the same sequence. VCF-style (leftmost placement, unchanged base first): chrX-17727758-G-GA. GRCh37 (hg19) VCF-style: chrX-17745878-G-GA.
Other names: c.3128dup, p.Asn1043fs (NM_001136024.4); c.3065dup, p.Asn1022fs (NM_001291868.2); c.3596dup, p.Asn1199fs (NM_198270.4); c.3596dup (NM_198270.2); short protein forms N1022fs, N1043fs, N1199fs, N1220fs.
Identifiers: ClinVar variation 1709985 (VCV001709985.6), dbSNP rs2519940981, ClinGen allele CA658653553.

ClinVar aggregate classification (germline): Pathogenic/Likely pathogenic. Review status: criteria provided, multiple submitters, no conflicts (2 of 4 stars). 3 submissions from 3 submitters: Pathogenic (2); Likely pathogenic (1). Last evaluated 2025-05-20.

Conditions:
Nance-Horan syndrome (NHS). Identifiers: Orphanet 627, MedGen C0796085, MONDO:0010545, OMIM 302350.

Submissions (3):

GeneDx
Classification: Pathogenic. Last evaluated: 2025-05-20. Review status: criteria provided, single submitter. Criteria: GeneDx Variant Classification Process June 2021. Collection method: clinical testing. Allele origin: germline. Affected: yes.
Comment: Frameshift variant predicted to result in protein truncation or nonsense mediated decay in a gene for which loss-of-function is a known mechanism of disease; Not observed at significant frequency in large population cohorts (gnomAD); This variant is associated with the following publications: (PMID: 18949062)

Labcorp Genetics (formerly Invitae), Labcorp
Classification: Pathogenic for Nance-Horan syndrome. Last evaluated: 2024-01-07. Review status: criteria provided, single submitter. Criteria: Invitae Variant Classification Sherloc (09022015). Collection method: clinical testing. Allele origin: germline.
Comment: This sequence change creates a premature translational stop signal (p.Asn1199Lysfs*5) in the NHS gene. It is expected to result in an absent or disrupted protein product. Loss-of-function variants in NHS are known to be pathogenic (PMID: 14564667, 19414485). This variant is not present in population databases (gnomAD no frequency). This premature translational stop signal has been observed in individual(s) with Nance-Horan syndrome (PMID: 18949062). This variant is also known as K1198 frameshift. ClinVar contains an entry for this variant (Variation ID: 1709985). For these reasons, this variant has been classified as Pathogenic.

MGZ Medical Genetics Center
Classification: Likely pathogenic for Nance-Horan syndrome. Last evaluated: 2021-09-30. Review status: criteria provided, single submitter. Criteria: ACMG Guidelines, 2015. Collection method: clinical testing. Allele origin: germline. Affected: yes. Observed: 1 variant allele.
Comment: ACMG criteria applied: PVS1, PM2_SUP

Literature cited by the submitters: PubMed 14564667 (cited by Labcorp Genetics (formerly Invitae), Labcorp); PubMed 19414485 (cited by Labcorp Genetics (formerly Invitae), Labcorp); PubMed 18949062 (cited by Labcorp Genetics (formerly Invitae), Labcorp).